The following is an entry in ClinVar:

ClinVar aggregate classification (germline): Uncertain significance. Review status: criteria provided, single submitter (1 of 4 stars). 2 submissions from 2 submitters: Uncertain significance (1). 1 of the submissions does not count toward it. Last evaluated 2026-02-27.

Conditions:
Carnitine deficiency. Identifiers: MedGen C1142132.
Renal carnitine transport defect (CDSP). Also called: CARNITINE DEFICIENCY, SYSTEMIC, DUE TO DEFECT IN RENAL REABSORPTION OF CARNITINE; CARNITINE TRANSPORTER, PLASMA-MEMBRANE, DEFICIENCY OF; CARNITINE UPTAKE DEFECT; Systemic primary carnitine deficiency disease; Primary carnitine deficiency; Systemic primary carnitine deficiency. Identifiers: Orphanet 158, MedGen C0342788, MONDO:0008919, OMIM 212140.

Submissions (2):

Myriad Genetics, Inc.
Classification: Uncertain significance for Renal carnitine transport defect. Last evaluated: 2026-02-27. Review status: criteria provided, single submitter. Criteria: Myriad Autosomal Dominant, Autosomal Recessive and X-Linked Classification Criteria (2023). Collection method: clinical testing. Allele origin: unknown.
Comment: NM_003060.3(SLC22A5):c.1052G>C(W351S) is a missense variant classified as a variant of uncertain significance in the context of primary carnitine deficiency. W351S has not been observed in cases with relevant disease. Relevant functional assessments of this variant are not available in the literature. W351S has not been observed in referenced population frequency databases. In summary, there is insufficient evidence to classify NM_003060.3(SLC22A5):c.1052G>C(W351S) as pathogenic or benign. Please note: this variant was assessed in the context of healthy population screening.

Natera, Inc.
Classification: Uncertain significance for Carnitine deficiency. Last evaluated: 2025-04-10. Review status: no assertion criteria provided. Collection method: clinical testing. Allele origin: germline. Not counted in ClinVar's aggregate classification.

NM_003060.4(SLC22A5):c.1052G>C (p.Trp351Ser)

Gene: SLC22A5 (solute carrier family 22 member 5; plus strand). Cytogenetic location: 5q31.1.
Variant type: single nucleotide variant.
Coding change: c.1052G>C on transcript NM_003060.4 (MANE Select); coding-DNA position 1052, G replaced by C.
Protein change: p.Trp351Ser; replaces tryptophan 351 with serine.
Molecular consequence: missense variant.
Genome position (GRCh38, 1-based): chr5:132,389,021, G>C. VCF-style: chr5-132389021-G-C. GRCh37 (hg19) VCF-style: chr5-131724713-G-C.
Other names: c.1124G>C, p.Trp375Ser (NM_001308122.2); short protein forms W351S, W375S.
Identifiers: ClinVar variation 4061533 (VCV004061533.2).